The following is an entry in ClinVar:

NM_001372.4(DNAH9):c.8554C>T (p.Arg2852Cys)

Gene: DNAH9 (dynein axonemal heavy chain 9; plus strand). Cytogenetic location: 17p12.
Variant type: single nucleotide variant.
Coding change: c.8554C>T on transcript NM_001372.4 (MANE Select); coding-DNA position 8554, C replaced by T.
Protein change: p.Arg2852Cys; replaces arginine 2852 with cysteine.
Molecular consequence: missense variant.
Genome position (GRCh38, 1-based): chr17:11,807,865, C>T. VCF-style: chr17-11807865-C-T. GRCh37 (hg19) VCF-style: chr17-11711182-C-T.
Other names: short protein forms R2852C.
Identifiers: ClinVar variation 3272947 (VCV003272947.2).

ClinVar aggregate classification (germline): Uncertain significance. Review status: criteria provided, multiple submitters, no conflicts (2 of 4 stars). 2 submissions from 2 submitters: Uncertain significance (2). Last evaluated 2025-07-21.

Conditions:
Inborn genetic diseases. Identifiers: MedGen C0950123, MeSH D030342.

gnomAD v4.1: 16 of 1,612,338 alleles (0.00099%); highest among the groups gnomAD compares: Middle Eastern, 0.017%; no homozygotes.

Submissions (2):

Labcorp Genetics (formerly Invitae), Labcorp
Classification: Uncertain significance. Last evaluated: 2025-07-21. Review status: criteria provided, single submitter. Criteria: Invitae Variant Classification Sherloc (09022015). Collection method: clinical testing. Allele origin: germline.
Comment: This sequence change replaces arginine, which is basic and polar, with cysteine, which is neutral and slightly polar, at codon 2852 of the DNAH9 protein (p.Arg2852Cys). This variant is present in population databases (rs201690514, gnomAD 0.007%). This variant has not been reported in the literature in individuals affected with DNAH9-related conditions. ClinVar contains an entry for this variant (Variation ID: 3272947). Invitae Evidence Modeling of protein sequence and biophysical properties (such as structural, functional, and spatial information, amino acid conservation, physicochemical variation, residue mobility, and thermodynamic stability) has been performed for this missense variant. However, the output from this modeling did not meet the statistical confidence thresholds required to predict the impact of this variant on DNAH9 protein function. In summary, the available evidence is currently insufficient to determine the role of this variant in disease. Therefore, it has been classified as a Variant of Uncertain Significance.

Ambry Genetics
Classification: Uncertain significance for Inborn genetic diseases. Last evaluated: 2024-03-31. Review status: criteria provided, single submitter. Criteria: Ambry Variant Classification Scheme 2023. Collection method: clinical testing. Allele origin: germline.